The following is an entry in ClinVar:

ClinVar aggregate classification (germline): Conflicting classifications of pathogenicity. Review status: criteria provided, conflicting classifications (1 of 4 stars). 2 submissions from 2 submitters: Uncertain significance (1); Likely benign (1). Last evaluated 2026-08-06.

Conditions:
Menkes kinky-hair syndrome (MNK). Also called: Copper transport disease; Menkes Disease; Classic Menkes Disease. Identifiers: Orphanet 565, MedGen C0022716, MONDO:0010651, OMIM 309400.
Cutis laxa, X-linked (OHS). Also called: EDS IX; Occipital horn syndrome. Identifiers: Orphanet 198, MedGen C0268353, MONDO:0010572, OMIM 304150.
X-linked distal spinal muscular atrophy type 3. Also called: NEURONOPATHY, DISTAL HEREDITARY MOTOR, X-LINKED; NEUROPATHY, DISTAL HEREDITARY MOTOR, X-LINKED; ATP7A-Related Distal Motor Neuropathy; SPINAL MUSCULAR ATROPHY, DISTAL, X-LINKED RECESSIVE. Identifiers: Orphanet 139557, MedGen C1845359, MONDO:0010338, OMIM 300489.

Allele frequency attached by ClinVar (database versions not stated): gnomAD exomes 0.00001.

Submissions (2):

OLLIN Analises Genomicas, OLLIN
Classification: Uncertain significance for Menkes kinky-hair syndrome. Last evaluated: 2026-08-06. Review status: criteria provided, single submitter. Criteria: ACMG Guidelines 2015 PMID 25741868. Collection method: clinical testing. Allele origin: germline. Inheritance: X-linked inheritance.
Comment: This missense variant, located in exon 4 (of 23), is absent from gnomAD and has not been identified in the literature. However, it has been reported in ClinVar (accession VCV000665730.9). In silico analysis predicts that this variant has a tolerated effect. According to the currently available evidence, this variant has been classified as uncertain significance (PM2_P, BP4).

Labcorp Genetics (formerly Invitae), Labcorp
Classification: Likely benign for X-linked distal spinal muscular atrophy type 3; Cutis laxa, X-linked; Menkes kinky-hair syndrome. Last evaluated: 2024-09-25. Review status: criteria provided, single submitter. Criteria: Invitae Variant Classification Sherloc (09022015). Collection method: clinical testing. Allele origin: germline.

NM_000052.7(ATP7A):c.635C>T (p.Thr212Ile)

Gene: ATP7A (ATPase copper transporting alpha; plus strand). Cytogenetic location: Xq21.1.
Variant type: single nucleotide variant.
Coding change: c.635C>T on transcript NM_000052.7 (MANE Select); coding-DNA position 635, C replaced by T.
Protein change: p.Thr212Ile; replaces threonine 212 with isoleucine.
Molecular consequence: missense variant.
Genome position (GRCh38, 1-based): chrX:77,989,257, C>T. VCF-style: chrX-77989257-C-T. GRCh37 (hg19) VCF-style: chrX-77244753-C-T.
Other names: c.635C>T, p.Thr212Ile (NM_001282224.2); short protein forms T212I.
Identifiers: ClinVar variation 665730 (VCV000665730.10), dbSNP rs1557231734, ClinGen allele CA413600468.